The following is an entry in ClinVar:

NM_000212.3(ITGB3):c.1723T>C (p.Cys575Arg)

Gene: ITGB3 (integrin subunit beta 3; plus strand). Cytogenetic location: 17q21.32.
Variant type: single nucleotide variant.
Coding change: c.1723T>C on transcript NM_000212.3 (MANE Select); coding-DNA position 1723, T replaced by C.
Protein change: p.Cys575Arg; replaces cysteine 575 with arginine.
Molecular consequence: missense variant.
Genome position (GRCh38, 1-based): chr17:47,299,340, T>C. VCF-style: chr17-47299340-T-C. GRCh37 (hg19) VCF-style: chr17-45376706-T-C.
Other names: short protein forms C575R.
Identifiers: ClinVar variation 2506153 (VCV002506153.5), dbSNP rs2547621015, ClinGen allele CA400032399.

ClinVar aggregate classification (germline): Pathogenic. Review status: criteria provided, multiple submitters, no conflicts (2 of 4 stars). 2 submissions from 2 submitters: Pathogenic (2). Last evaluated 2025-04-22.

Conditions:
Glanzmann thrombasthenia 2. Also called: BLEEDING DISORDER, PLATELET-TYPE, 23. Identifiers: MedGen C5543273, MONDO:0031009, OMIM 619267.

Submissions (2):

Women's Health and Genetics/Laboratory Corporation of America, LabCorp
Classification: Pathogenic for Glanzmann thrombasthenia 2. Last evaluated: 2025-04-22. Review status: criteria provided, single submitter. Criteria: LabCorp Variant Classification Summary - May 2015. Collection method: clinical testing. Allele origin: germline.
Comment: Variant summary: ITGB3 c.1723T>C (p.Cys575Arg) results in a non-conservative amino acid change located in the EGF-3 domain of the encoded protein sequence. Three of three in-silico tools predict a damaging effect of the variant on protein function. The frequency data for this variant in gnomAD is considered unreliable, as metrics indicate poor data quality at this position. c.1723T>C has been reported in the literature in multiple individuals affected with Glanzmann Thrombasthenia 2 (e.g. Mor-Cohen_2007). These data indicate that the variant is very likely to be associated with disease. Experimental evidence evaluating an impact on protein function reports that the variant impacts one of the many essential disulfide bridges in the EGF domain, resulting in reduced cell surface expression and constitutive activation which results in abnormal platelet function (Mor-Cohen_2008). The following publications have been ascertained in the context of this evaluation (PMID: 18458089, 18064323). ClinVar contains an entry for this variant (Variation ID: 2506153). Based on the evidence outlined above, the variant was classified as pathogenic.

Labcorp Genetics (formerly Invitae), Labcorp
Classification: Pathogenic. Last evaluated: 2024-04-11. Review status: criteria provided, single submitter. Criteria: Invitae Variant Classification Sherloc (09022015). Collection method: clinical testing. Allele origin: germline.
Comment: This sequence change replaces cysteine, which is neutral and slightly polar, with arginine, which is basic and polar, at codon 575 of the ITGB3 protein (p.Cys575Arg). This variant is not present in population databases (gnomAD no frequency). This missense change has been observed in individuals with Glanzmann thrombasthenia (PMID: 12083483, 18064323, 25728920; Invitae). This variant is also known as p.Cys549Arg or p.Cys601Arg. ClinVar contains an entry for this variant (Variation ID: 2506153). Advanced modeling of protein sequence and biophysical properties (such as structural, functional, and spatial information, amino acid conservation, physicochemical variation, residue mobility, and thermodynamic stability) performed at Invitae indicates that this missense variant is expected to disrupt ITGB3 protein function with a positive predictive value of 80%. Experimental studies have shown that this missense change affects ITGB3 function (PMID: 18064323). For these reasons, this variant has been classified as Pathogenic.

Literature cited by the submitters: PubMed 18458089 (cited by Women's Health and Genetics/Laboratory Corporation of America, LabCorp); PubMed 18064323 (cited by Women's Health and Genetics/Laboratory Corporation of America, LabCorp and Labcorp Genetics (formerly Invitae), Labcorp); PubMed 12083483 (cited by Labcorp Genetics (formerly Invitae), Labcorp); PubMed 25728920 (cited by Labcorp Genetics (formerly Invitae), Labcorp).